The following is an entry in ClinVar:

NM_020975.6(RET):c.484C>T (p.Pro162Ser)

Gene: RET (ret proto-oncogene; plus strand). Cytogenetic location: 10q11.21.
Variant type: single nucleotide variant.
Coding change: c.484C>T on transcript NM_020975.6 (MANE Select); coding-DNA position 484, C replaced by T.
Protein change: p.Pro162Ser; replaces proline 162 with serine.
Molecular consequence: missense variant.
Genome position (GRCh38, 1-based): chr10:43,102,488, C>T. VCF-style: chr10-43102488-C-T. GRCh37 (hg19) VCF-style: chr10-43597936-C-T.
Other names: c.484C>T, p.Pro162Ser (NM_000323.2, NM_001406743.1, NM_001406744.1 and 16 more transcripts); c.355C>T, p.Pro119Ser (NM_001406761.1, NM_001406762.1, NM_001406764.1 and 4 more transcripts); short protein forms P162S, P119S.
Identifiers: ClinVar variation 568416 (VCV000568416.17), dbSNP rs1564490122, ClinGen allele CA376543214.

ClinVar aggregate classification (germline): Uncertain significance. Review status: criteria provided, multiple submitters, no conflicts (2 of 4 stars). 7 submissions from 4 submitters: Uncertain significance (7). Last evaluated 2025-08-31.

Conditions:
Hereditary cancer-predisposing syndrome. Also called: Neoplastic Syndromes, Hereditary; Hereditary Cancer Syndrome; Tumor predisposition; Hereditary neoplastic syndrome. Identifiers: Orphanet 140162, MedGen C0027672, MeSH D009386, MONDO:0015356.
Multiple endocrine neoplasia. Identifiers: Orphanet 276161, MedGen C0027662, MONDO:0017169.
Multiple endocrine neoplasia, type 2 (MEN2). Identifiers: Orphanet 653, MedGen C4048306, MONDO:0019003. Disease mechanism: gain of function.
Hirschsprung disease, susceptibility to, 1 (HSCR1). Also called: RET-Related Hirschsprung Disease. Identifiers: Orphanet 388, MedGen C3888239, MONDO:0007723, OMIM 142623.
Pheochromocytoma. Also called: MAX-Related Hereditary Paraganglioma-Pheochromocytoma Syndrome. Identifiers: Orphanet 29072, MedGen C0031511, MONDO:0008233, OMIM 171300, HP:0002666.
Renal hypodysplasia/aplasia 1 (RHDA1). Also called: HEREDITARY RENAL APLASIA; RENAL APLASIA. Identifiers: Orphanet 411709, MedGen C1619700, MONDO:0024519, OMIM 191830.

Submissions (7):

Ambry Genetics
Classification: Uncertain significance for Hereditary cancer-predisposing syndrome. Last evaluated: 2025-08-31. Review status: criteria provided, single submitter. Criteria: Ambry Variant Classification Scheme 2023. Collection method: clinical testing. Allele origin: germline.
Comment: The p.P162S variant (also known as c.484C>T), located in coding exon 3 of the RET gene, results from a C to T substitution at nucleotide position 484. The proline at codon 162 is replaced by serine, an amino acid with similar properties. This amino acid position is conserved. In addition, this alteration is predicted to be tolerated by in silico analysis. Based on the available evidence, the clinical significance of this variant remains unclear.

Labcorp Genetics (formerly Invitae), Labcorp
Classification: Uncertain significance for Multiple endocrine neoplasia, type 2. Last evaluated: 2025-07-09. Review status: criteria provided, single submitter. Criteria: Invitae Variant Classification Sherloc (09022015). Collection method: clinical testing. Allele origin: germline.
Comment: This sequence change replaces proline, which is neutral and non-polar, with serine, which is neutral and polar, at codon 162 of the RET protein (p.Pro162Ser). This variant is not present in population databases (gnomAD no frequency). This variant has not been reported in the literature in individuals affected with RET-related conditions. ClinVar contains an entry for this variant (Variation ID: 568416). An algorithm developed to predict the effect of missense changes on protein structure and function outputs the following: PolyPhen-2: "Benign". The serine amino acid residue is found in multiple mammalian species, which suggests that this missense change does not adversely affect protein function. In summary, the available evidence is currently insufficient to determine the role of this variant in disease. Therefore, it has been classified as a Variant of Uncertain Significance.

All of Us Research Program, National Institutes of Health
Classification: Uncertain significance for Multiple endocrine neoplasia, type 2. Last evaluated: 2023-12-18. Review status: criteria provided, single submitter. Criteria: ACMG Guidelines, 2015. Collection method: clinical testing. Allele origin: germline. Inheritance: Autosomal dominant inheritance. Observed: 1 variant allele, 1 heterozygote.
Comment: This missense variant replaces proline with serine at codon 162 of the RET protein. Computational prediction suggests that this variant may not impact protein structure and function (internally defined REVEL score threshold <= 0.5, PMID: 27666373). To our knowledge, functional studies have not been reported for this variant. This variant has not been reported in individuals affected with RET-related disorders in the literature. This variant has not been identified in the general population by the Genome Aggregation Database (gnomAD). The available evidence is insufficient to determine the role of this variant in disease conclusively. Therefore, this variant is classified as a Variant of Uncertain Significance.

This study involves interpretation of variants in research participants for the purpose of population health screening. Participant phenotype was not available at the time of variant classification. Additional details can be found in publication PMID: 35346344, PMCID: PMC8962531

Illumina Laboratory Services, Illumina
Classification: Uncertain significance for Pheochromocytoma. Last evaluated: 2018-01-12. Review status: criteria provided, single submitter. Criteria: ICSL Variant Classification Criteria 13 December 2019. Collection method: clinical testing. Allele origin: germline.

Illumina Laboratory Services, Illumina
Classification: Uncertain significance for Renal hypodysplasia/aplasia 1. Last evaluated: 2018-01-12. Review status: criteria provided, single submitter. Criteria: ICSL Variant Classification Criteria 13 December 2019. Collection method: clinical testing. Allele origin: germline.

Illumina Laboratory Services, Illumina
Classification: Uncertain significance for Hirschsprung disease, susceptibility to, 1. Last evaluated: 2018-01-12. Review status: criteria provided, single submitter. Criteria: ICSL Variant Classification Criteria 13 December 2019. Collection method: clinical testing. Allele origin: germline.

Illumina Laboratory Services, Illumina
Classification: Uncertain significance for Multiple endocrine neoplasia. Last evaluated: 2018-01-12. Review status: criteria provided, single submitter. Criteria: ICSL Variant Classification Criteria 13 December 2019. Collection method: clinical testing. Allele origin: germline.